The following is an entry in ClinVar:

ClinVar aggregate classification (germline): Pathogenic (1 of 4 stars; one submission).

Allele frequency attached by ClinVar (database versions not stated): gnomAD exomes 0.00001.
gnomAD v4.1: 7 of 1,614,106 alleles (0.00043%); highest among the groups gnomAD compares: East Asian, 0.0022%; no homozygotes.

Submission:

Labcorp Genetics (formerly Invitae), Labcorp
Classification: Pathogenic. Last evaluated: 2023-09-29. Review status: criteria provided, single submitter. Criteria: Invitae Variant Classification Sherloc (09022015). Collection method: clinical testing. Allele origin: germline.
Comment: For these reasons, this variant has been classified as Pathogenic. This variant has not been reported in the literature in individuals affected with ROR2-related conditions. This variant is not present in population databases (gnomAD no frequency). This sequence change creates a premature translational stop signal (p.Gln343*) in the ROR2 gene. It is expected to result in an absent or disrupted protein product. Loss-of-function variants in ROR2 are known to be pathogenic (PMID: 10932186).

Literature cited by the submitters: PubMed 10932186.

NM_004560.4(ROR2):c.1027C>T (p.Gln343Ter)

Gene: ROR2 (receptor tyrosine kinase like orphan receptor 2; minus strand). Cytogenetic location: 9q22.31.
Variant type: single nucleotide variant.
Coding change: c.1027C>T on transcript NM_004560.4 (MANE Select); coding-DNA position 1027, C replaced by T.
Protein change: p.Gln343Ter; replaces glutamine 343 with a stop codon.
Molecular consequence: nonsense.
Genome position (GRCh38, 1-based): chr9:91,731,066, G>A on the plus strand (C>T on the coding strand, the complement: ROR2 is on the minus strand). VCF-style: chr9-91731066-G-A. GRCh37 (hg19) VCF-style: chr9-94493348-G-A.
Other names: c.1027C>T, p.Gln343Ter (NM_001318204.2); short protein forms Q343*.
Identifiers: ClinVar variation 2763631 (VCV002763631.3), dbSNP rs2490167919, ClinGen allele CA373800197.
Genomic context (GRCh38, chr9:91,731,066, plus strand): 5'-CGTGCCCCCCTCCAAGCTCAGGGAAGTCTGTGCTGGACAGGTGGTGGCTGTGGGGGTGCT[G>A]CAGGGCCCACGGCTGGCACTGGTGGCCTGACTTGGTGGTGCTTGCCGTTCCTCTGTAATC-3'